The following is an entry in ClinVar:

NM_014629.4(ARHGEF10):c.2564TCG[1] (p.Val856del)

Gene: ARHGEF10 (Rho guanine nucleotide exchange factor 10; plus strand). Cytogenetic location: 8p23.3.
Variant type: Microsatellite.
Coding change: c.2564TCG[1] on transcript NM_014629.4 (MANE Select); one copy of the 3-base unit TCG starting at c.2564; the reference has two copies in a row; one copy, 3 bases deleted.
Protein change: p.Val856del; deletes valine 856.
Molecular consequence: inframe deletion. On other transcripts: inframe indel (1).
Genome position (GRCh38, 1-based): chr8:1,925,361-1,925,363, TCG deleted; deleting any 3 consecutive bases within chr8:1,925,358-1,925,363 gives the same sequence; the position shown is the placement nearest the transcript's 3' end. VCF-style (leftmost placement, unchanged base first): chr8-1925357-CTCG-C. GRCh37 (hg19) VCF-style: chr8-1873523-CTCG-C.
Other names: c.2450TCG[1], p.Val818del (NM_001308152.2); c.2564_2566TCG[1], p.Val856del (NM_001308153.3); short protein forms V818del, V880del, V856del.
Identifiers: ClinVar variation 1374470 (VCV001374470.6), dbSNP rs2129216984, ClinGen allele CA2580614303.

ClinVar aggregate classification (germline): Uncertain significance (1 of 4 stars; one submission).

Submission:

Labcorp Genetics (formerly Invitae), Labcorp
Classification: Uncertain significance. Last evaluated: 2021-08-13. Review status: criteria provided, single submitter. Criteria: Invitae Variant Classification Sherloc (09022015). Collection method: clinical testing. Allele origin: germline.
Comment: This variant, c.2567_2569del, results in the deletion of 1 amino acid(s) of the ARHGEF10 protein (p.Val856del), but otherwise preserves the integrity of the reading frame. In summary, the available evidence is currently insufficient to determine the role of this variant in disease. Therefore, it has been classified as a Variant of Uncertain Significance. Experimental studies and prediction algorithms are not available or were not evaluated, and the functional significance of this variant is currently unknown. This variant has not been reported in the literature in individuals affected with ARHGEF10-related conditions. This variant is not present in population databases (ExAC no frequency).